The following is an entry in ClinVar:

NM_001040716.2(PC):c.1216C>T (p.Arg406Cys)

Gene: PC (pyruvate carboxylase; minus strand). Cytogenetic location: 11q13.2.
Variant type: single nucleotide variant.
Coding change: c.1216C>T on transcript NM_001040716.2 (MANE Select); coding-DNA position 1216, C replaced by T.
Protein change: p.Arg406Cys; replaces arginine 406 with cysteine.
Molecular consequence: missense variant.
Genome position (GRCh38, 1-based): chr11:66,863,926, G>A on the plus strand (C>T on the coding strand, the complement: PC is on the minus strand). VCF-style: chr11-66863926-G-A. GRCh37 (hg19) VCF-style: chr11-66631397-G-A.
Other names: c.1216C>T, p.Arg406Cys (NM_000920.4, NM_022172.3); short protein forms R406C.
Identifiers: ClinVar variation 1685393 (VCV001685393.2), dbSNP rs1358651584, ClinGen allele CA381498956.

ClinVar aggregate classification (germline): Likely pathogenic. Review status: criteria provided, multiple submitters, no conflicts (2 of 4 stars). 2 submissions from 2 submitters: Likely pathogenic (2). Last evaluated 2022-05-04.

Conditions:
Pyruvate carboxylase deficiency. Also called: ATAXIA WITH LACTIC ACIDOSIS II; LEIGH NECROTIZING ENCEPHALOPATHY DUE TO PYRUVATE CARBOXYLASE DEFICIENCY; LEIGH SYNDROME DUE TO PYRUVATE CARBOXYLASE DEFICIENCY; PC DEFICIENCY; Pyruvate Carboxylase Deficiency Disease. Identifiers: Orphanet 3008, MedGen C0034341, MONDO:0009949, OMIM 266150.

Allele frequency attached by ClinVar (database versions not stated): gnomAD exomes below 0.00001.
gnomAD v4.1: 4 of 1,614,010 alleles (0.00025%); highest among the groups gnomAD compares: African/African-American, 0.0013%; no homozygotes.

Submissions (2):

Mendelics
Classification: Likely pathogenic for Pyruvate carboxylase deficiency. Last evaluated: 2022-05-04. Review status: criteria provided, single submitter. Criteria: Mendelics Assertion Criteria 2019. Collection method: clinical testing. Allele origin: germline.

Juno Genomics, Hangzhou Juno Genomics, Inc
Classification: Likely pathogenic for Pyruvate carboxylase deficiency. Review status: criteria provided, single submitter. Criteria: ACMG Guidelines, 2015. Collection method: clinical testing. Allele origin: germline. Affected: yes.
Comment: Absent from controls (or at extremely low frequency if recessive) in Genome Aggregation Database.;Multiple lines of computational evidence support a deleterious effect on the gene or gene product.;Missense variant in a gene that has a low rate of benign missense variation.;Patient's phenotype or family history is highly specific for a disease with a single genetic etiology.